The following is an entry in ClinVar:

ClinVar aggregate classification (germline): Likely benign (1 of 4 stars; one submission).

gnomAD v4.1: 13 of 1,613,988 alleles (0.00081%); highest among the groups gnomAD compares: Non-Finnish European, 0.0011%; no homozygotes.

Submission:

CeGaT Center for Human Genetics Tuebingen
Classification: Likely benign. Last evaluated: 2026-05-01. Review status: criteria provided, single submitter. Criteria: CeGaT Center For Human Genetics Tuebingen Variant Classification Criteria Version 2. Collection method: clinical testing. Allele origin: germline. Affected: yes. Observed: 1 variant allele.
Comment: SKIC3: BP4, BP7

NM_014639.4(SKIC3):c.3225G>A (p.Glu1075=)

Gene: SKIC3 (SKI3 subunit of superkiller complex; minus strand). Cytogenetic location: 5q15.
Variant type: single nucleotide variant.
Coding change: c.3225G>A on transcript NM_014639.4 (MANE Select); coding-DNA position 3225, G replaced by A.
Protein change: p.Glu1075=; no amino-acid change (glutamic acid 1075 retained).
Molecular consequence: synonymous variant.
Genome position (GRCh38, 1-based): chr5:95,502,996, C>T on the plus strand (G>A on the coding strand, the complement: SKIC3 is on the minus strand). VCF-style: chr5-95502996-C-T. GRCh37 (hg19) VCF-style: chr5-94838700-C-T.
Identifiers: ClinVar variation 4874969 (VCV004874969.2).